The following is an entry in ClinVar:

ClinVar aggregate classification (germline): Uncertain significance (1 of 4 stars; one submission).

Submission:

Mayo Clinic Laboratories, Mayo Clinic
Classification: Uncertain significance. Last evaluated: 2025-01-31. Review status: criteria provided, single submitter. Criteria: ACMG Guidelines, 2015. Collection method: clinical testing. Allele origin: germline. Observed: 1 variant allele.
Comment: PM2_supporting

NM_001127222.2(CACNA1A):c.5840-3C>G

Gene: CACNA1A (calcium voltage-gated channel subunit alpha1 A; minus strand). Cytogenetic location: 19p13.13.
Variant type: single nucleotide variant.
Coding change: c.5840-3C>G on transcript NM_001127222.2 (MANE Select); 3 bases into the intron before coding-DNA position 5840, C replaced by G.
Molecular consequence: intron variant.
Genome position (GRCh38, 1-based): chr19:13,214,336, G>C on the plus strand (C>G on the coding strand, the complement: CACNA1A is on the minus strand). VCF-style: chr19-13214336-G-C. GRCh37 (hg19) VCF-style: chr19-13325150-G-C.
Other names: p.?; c.5843-3C>G (NM_001127221.2); c.5849-3C>G (NM_001174080.2); c.5858-3C>G (NM_000068.4, NM_023035.3).
Identifiers: ClinVar variation 4542312 (VCV004542312.1).